The following is an entry in ClinVar:

ClinVar aggregate classification (germline): Uncertain significance. Review status: criteria provided, multiple submitters, no conflicts (2 of 4 stars). 2 submissions from 2 submitters: Uncertain significance (2). Last evaluated 2019-07-17.

Conditions:
Hereditary cancer-predisposing syndrome. Also called: Hereditary Cancer Syndrome; Neoplastic Syndromes, Hereditary; Tumor predisposition; Hereditary neoplastic syndrome. Identifiers: Orphanet 140162, MedGen C0027672, MeSH D009386, MONDO:0015356.
Ataxia-telangiectasia syndrome (AT). Also called: Ataxia telangiectasia (A-T); Ataxia-telangiectasia, complementation group E; LOUIS-BAR SYNDROME; Cerebello-oculocutaneous telangiectasia; Immunodeficiency with ataxia telangiectasia; Ataxia-telangiectasia, complementation group D. Identifiers: Orphanet 100, MedGen C0004135, MONDO:0008840, OMIM 208900.

Submissions (2):

Labcorp Genetics (formerly Invitae), Labcorp
Classification: Uncertain significance for Ataxia-telangiectasia syndrome. Last evaluated: 2019-07-17. Review status: criteria provided, single submitter. Criteria: Invitae Variant Classification Sherloc (09022015). Collection method: clinical testing. Allele origin: germline.
Comment: This sequence change replaces lysine with glutamic acid at codon 387 of the ATM protein (p.Lys387Glu). The lysine residue is weakly conserved and there is a small physicochemical difference between lysine and glutamic acid. This variant is not present in population databases (ExAC no frequency). This variant has not been reported in the literature in individuals with ATM-related conditions. ClinVar contains an entry for this variant (Variation ID: 231507). Algorithms developed to predict the effect of missense changes on protein structure and function (SIFT, PolyPhen-2, Align-GVGD) all suggest that this variant is likely to be tolerated, but these predictions have not been confirmed by published functional studies and their clinical significance is uncertain. In summary, the available evidence is currently insufficient to determine the role of this variant in disease. Therefore, it has been classified as a Variant of Uncertain Significance.

Ambry Genetics
Classification: Uncertain significance for Hereditary cancer-predisposing syndrome. Last evaluated: 2018-09-04. Review status: criteria provided, single submitter. Criteria: Ambry Variant Classification Scheme 2023. Collection method: clinical testing. Allele origin: germline.
Comment: The p.K387E variant (also known as c.1159A>G), located in coding exon 8 of the ATM gene, results from an A to G substitution at nucleotide position 1159. The lysine at codon 387 is replaced by glutamic acid, an amino acid with similar properties. This amino acid position is poorly conserved in available vertebrate species. In addition, this alteration is predicted to be tolerated by in silico analysis. Since supporting evidence is limited at this time, the clinical significance of this alteration remains unclear.

NM_000051.4(ATM):c.1159A>G (p.Lys387Glu)

Gene: ATM (ATM serine/threonine kinase; plus strand). Cytogenetic location: 11q22.3.
Variant type: single nucleotide variant.
Coding change: c.1159A>G on transcript NM_000051.4 (MANE Select); coding-DNA position 1159, A replaced by G.
Protein change: p.Lys387Glu; replaces lysine 387 with glutamic acid.
Molecular consequence: missense variant.
Genome position (GRCh38, 1-based): chr11:108,249,026, A>G. VCF-style: chr11-108249026-A-G. GRCh37 (hg19) VCF-style: chr11-108119753-A-G.
Other names: c.1159A>G, p.Lys387Glu (NM_001351834.2); short protein forms K387E.
Identifiers: ClinVar variation 231507 (VCV000231507.15), dbSNP rs786202686, ClinGen allele CA10578995.
Genomic context (GRCh38, chr11:108,249,026, plus strand): 5'-TCTCAATCTTACACTACTACACAAAGAGAATCTAGTGATTACAGTGTCCCTTGCAAAAGG[A>G]AGAAAATAGAACTAGGCTGGGAAGTAATAAAAGATCACCTTCAGAAGTCACAGAATGATT-3'
Protein context (NP_000042.3, residues 377-397): SSDYSVPCKR[Lys387Glu]KIELGWEVIK